The following is an entry in ClinVar:

NM_001267550.2(TTN):c.45156T>A (p.Cys15052Ter)

Genes: TTN (titin; minus strand), LOC126806427 (BRD4-independent group 4 enhancer GRCh37_chr2:179485777-179486976; plus strand). Cytogenetic location: 2q31.2.
Variant type: single nucleotide variant.
Coding change: c.45156T>A on transcript NM_001267550.2 (MANE Select); coding-DNA position 45156, T replaced by A.
Protein change: p.Cys15052Ter; replaces cysteine 15052 with a stop codon.
Molecular consequence: nonsense.
Genome position (GRCh38, 1-based): chr2:178,621,668, A>T on the plus strand (T>A on the coding strand, the complement: TTN is on the minus strand). VCF-style: chr2-178621668-A-T. GRCh37 (hg19) VCF-style: chr2-179486395-A-T.
Other names: c.40233T>A, p.Cys13411Ter (NM_001256850.1); c.17961T>A, p.Cys5987Ter (NM_003319.4); c.37452T>A, p.Cys12484Ter (NM_133378.4); c.18336T>A, p.Cys6112Ter (NM_133432.3); c.18537T>A, p.Cys6179Ter (NM_133437.4); c.45156T>A (NM_001267550.1); short protein forms C15052*, C13411*, C6112*, C6179*, C12484*, C5987*.
Identifiers: ClinVar variation 404904 (VCV000404904.14), dbSNP rs1060500487, ClinGen allele CA16610464.

ClinVar aggregate classification (germline): Likely pathogenic. Review status: criteria provided, multiple submitters, no conflicts (2 of 4 stars). 3 submissions from 3 submitters: Likely pathogenic (3). Last evaluated 2025-12-16.

Conditions:
Cardiovascular phenotype. Identifiers: MedGen CN230736.
Dilated cardiomyopathy 1G (CMD1G). Identifiers: Orphanet 154, MedGen C1858763, MONDO:0011400, OMIM 604145.
Autosomal recessive limb-girdle muscular dystrophy type 2J (LGMDR10). Also called: Limb-girdle muscular dystrophy, type 2J; MUSCULAR DYSTROPHY, LIMB-GIRDLE, AUTOSOMAL RECESSIVE 10. Identifiers: Orphanet 140922, MedGen C1837342, MONDO:0012127, OMIM 608807.

Submissions (3):

Ambry Genetics
Classification: Likely pathogenic for Cardiovascular phenotype. Last evaluated: 2025-12-16. Review status: criteria provided, single submitter. Criteria: Ambry Variant Classification Scheme 2023. Collection method: clinical testing. Allele origin: germline.
Comment: The p.C5987* variant (also known as c.17961T>A), located in coding exon 72 of the TTN gene, results from a T to A substitution at nucleotide position 17961. This changes the amino acid from a cysteine to a stop codon within coding exon 72. This exon is located in the I-band region of the N2-B isoform of the titin protein and is constitutively expressed in TTN transcripts (percent spliced in or PSI 100%). This variant was reported in individual(s) with features consistent with dilated cardiomyopathy (Ambry internal data). This variant is considered to be rare based on population cohorts in the Genome Aggregation Database (gnomAD). This variant is expected to result in loss of function by premature protein truncation or nonsense-mediated mRNA decay. While truncating variants in TTN are present in 1-3% of the general population, truncating variants in the A-band are the most common cause of dilated cardiomyopathy (Herman DS et al. N. Engl. J. Med., 2012 Feb;366:619-28; Roberts AM et al. Sci Transl Med, 2015 Jan;7:270ra6). TTN truncating variants encoded in constitutive exons (PSI >90%) have been found to be significantly associated with DCM regardless of their position in titin (Schafer S et al. Nat. Genet., 2017 01;49:46-53; Akhtar MM et al. Circ Heart Fail, 2020 Oct;13:e006832; Massier M et al. Clin Genet, 2025 Jan). Based on the majority of available evidence to date, this variant is likely to be pathogenic.

Labcorp Genetics (formerly Invitae), Labcorp
Classification: Likely pathogenic for Dilated cardiomyopathy 1G; Autosomal recessive limb-girdle muscular dystrophy type 2J. Last evaluated: 2025-12-15. Review status: criteria provided, single submitter. Criteria: Invitae Variant Classification Sherloc (09022015). Collection method: clinical testing. Allele origin: germline.
Comment: This sequence change creates a premature translational stop signal (p.Cys15052*) in the TTN gene. While this is not anticipated to result in nonsense mediated decay, it is expected to create a truncated TTN protein. This variant is not present in population databases (gnomAD no frequency). This variant has not been reported in the literature in individuals affected with TTN-related conditions. ClinVar contains an entry for this variant (Variation ID: 404904). This variant is located in the I band of TTN (PMID: 25589632). Truncating variants in this region have been reported in individuals affected with autosomal recessive centronuclear myopathy (PMID: 23975875, internal data). Truncating variants in this region have also been identified in individuals affected with autosomal dominant dilated cardiomyopathy and/or cardio-related conditions (PMID: 27869827, 32964742, internal data). In summary, the currently available evidence indicates that the variant is pathogenic, but additional data are needed to prove that conclusively. Therefore, this variant has been classified as Likely Pathogenic.

GeneDx
Classification: Likely pathogenic. Last evaluated: 2024-12-19. Review status: criteria provided, single submitter. Criteria: GeneDx Variant Classification Process June 2021. Collection method: clinical testing. Allele origin: germline. Affected: yes.
Comment: Nonsense variant predicted to result in protein truncation or nonsense mediated decay in a gene for which loss of function is a known mechanism of disease; Located in a specific region of the I-band within TTN for which truncating variants are significantly associated with autosomal dominant cardiomyopathy and also with autosomal recessive skeletal myopathies (PMID: 27625338, 27869827, 32778822); Not observed at significant frequency in large population cohorts (gnomAD); Has not been previously published as pathogenic or benign to our knowledge; This variant is associated with the following publications: (PMID: 27625338, 27869827, 32778822)

Literature cited by the submitters: PubMed 25589632 (cited by Labcorp Genetics (formerly Invitae), Labcorp); PubMed 23975875 (cited by Labcorp Genetics (formerly Invitae), Labcorp); PubMed 27869827 (cited by Labcorp Genetics (formerly Invitae), Labcorp); PubMed 32964742 (cited by Labcorp Genetics (formerly Invitae), Labcorp).